The following is an entry in ClinVar:

ClinVar aggregate classification (germline): Uncertain significance (1 of 4 stars; one submission).

Conditions:
Congenital sideroblastic anemia-B-cell immunodeficiency-periodic fever-developmental delay syndrome. Also called: Sideroblastic anemia with B-cell immunodeficiency, periodic fevers, and developmental delay. Identifiers: Orphanet 369861, MedGen C4015172, MONDO:0014487, OMIM 616084.

Allele frequency attached by ClinVar (database versions not stated): gnomAD exomes below 0.00001; TOPMed below 0.00001; gnomAD 0.00001.

Submission:

Labcorp Genetics (formerly Invitae), Labcorp
Classification: Uncertain significance for Congenital sideroblastic anemia-B-cell immunodeficiency-periodic fever-developmental delay syndrome. Last evaluated: 2020-09-16. Review status: criteria provided, single submitter. Criteria: Invitae Variant Classification Sherloc (09022015). Collection method: clinical testing. Allele origin: germline.
Comment: This variant is not present in population databases (ExAC no frequency). This sequence change replaces histidine with arginine at codon 57 of the TRNT1 protein (p.His57Arg). The histidine residue is moderately conserved and there is a small physicochemical difference between histidine and arginine. This variant has not been reported in the literature in individuals with TRNT1-related conditions. In summary, the available evidence is currently insufficient to determine the role of this variant in disease. Therefore, it has been classified as a Variant of Uncertain Significance. Algorithms developed to predict the effect of missense changes on protein structure and function are either unavailable or do not agree on the potential impact of this missense change (SIFT: "Deleterious"; PolyPhen-2: "Benign"; Align-GVGD: "Class C0").

NM_182916.3(TRNT1):c.170A>G (p.His57Arg)

Gene: TRNT1 (tRNA nucleotidyl transferase 1; plus strand). Cytogenetic location: 3p26.2.
Variant type: single nucleotide variant.
Coding change: c.170A>G on transcript NM_182916.3 (MANE Select); coding-DNA position 170, A replaced by G.
Protein change: p.His57Arg; replaces histidine 57 with arginine.
Molecular consequence: missense variant. On other transcripts: non-coding transcript variant (8).
Genome position (GRCh38, 1-based): chr3:3,137,281, A>G. VCF-style: chr3-3137281-A-G. GRCh37 (hg19) VCF-style: chr3-3178965-A-G.
Other names: c.170A>G, p.His57Arg (NM_001302946.2, NM_001367321.1, NM_001367322.1 and 1 more transcripts); short protein forms H57R.
Identifiers: ClinVar variation 1009449 (VCV001009449.5), dbSNP rs1488255780, ClinGen allele CA351442962.
Genomic context (GRCh38, chr3:3,137,281, plus strand): 5'-AGAACTTGGGAATAAAAATCTTATTTTCTCTCATCTCAGAATTATTTGTCAAAGAGAATC[A>G]CGAATTAAGAATAGCAGGAGGAGCAGTGAGGGATTTATTAAATGGAGTAAAGCCTCAGGA-3'
Protein context (NP_886552.3, residues 47-67): SLTELFVKEN[His57Arg]ELRIAGGAVR